The following is an entry in ClinVar:

NM_006761.5(YWHAE):c.607A>G (p.Ile203Val)

Gene: YWHAE (tyrosine 3-monooxygenase/tryptophan 5-monooxygenase activation protein epsilon; minus strand). Cytogenetic location: 17p13.3.
Variant type: single nucleotide variant.
Coding change: c.607A>G on transcript NM_006761.5 (MANE Select); coding-DNA position 607, A replaced by G.
Protein change: p.Ile203Val; replaces isoleucine 203 with valine.
Molecular consequence: missense variant. On other transcripts: non-coding transcript variant (1).
Genome position (GRCh38, 1-based): chr17:1,354,319, T>C on the plus strand (A>G on the coding strand, the complement: YWHAE is on the minus strand). VCF-style: chr17-1354319-T-C. GRCh37 (hg19) VCF-style: chr17-1257613-T-C.
Other names: short protein forms I203V.
Identifiers: ClinVar variation 1921735 (VCV001921735.5), dbSNP rs144333800, ClinGen allele CA8266124.
Genomic context (GRCh38, chr17:1,354,319, plus strand): 5'-ACTGCATGATAAGTGTAGAGTCCTTATAGCTTTCTTCACTCAGCGTATCCAGTTCTGCAA[T>C]TGCATCATCAAAAGCTGCTTTTGCCAACCTAAAGGTATTTCAATAGAAGTGTTATAAAAA-3'
Protein context (NP_006752.1, residues 193-213): RLAKAAFDDA[Ile203Val]AELDTLSEES

ClinVar aggregate classification (germline): Uncertain significance (1 of 4 stars; one submission).

Allele frequency attached by ClinVar (database versions not stated): gnomAD exomes below 0.00001; ExAC 0.00001; ESP Exome Variant Server 0.00008.
gnomAD v4.1: 7 of 1,614,046 alleles (0.00043%); highest among the groups gnomAD compares: African/African-American, 0.0013%; no homozygotes.

Submission:

Labcorp Genetics (formerly Invitae), Labcorp
Classification: Uncertain significance. Last evaluated: 2023-11-27. Review status: criteria provided, single submitter. Criteria: Invitae Variant Classification Sherloc (09022015). Collection method: clinical testing. Allele origin: germline.
Comment: This sequence change replaces isoleucine, which is neutral and non-polar, with valine, which is neutral and non-polar, at codon 203 of the YWHAE protein (p.Ile203Val). This variant is present in population databases (rs144333800, gnomAD 0.007%). This variant has not been reported in the literature in individuals affected with YWHAE-related conditions. ClinVar contains an entry for this variant (Variation ID: 1921735). An algorithm developed to predict the effect of missense changes on protein structure and function (PolyPhen-2) suggests that this variant is likely to be tolerated. In summary, the available evidence is currently insufficient to determine the role of this variant in disease. Therefore, it has been classified as a Variant of Uncertain Significance.